The following is an entry in ClinVar:

NM_020821.3(VPS13C):c.4362C>T (p.Val1454=)

Gene: VPS13C (vacuolar protein sorting 13 homolog C; minus strand). Cytogenetic location: 15q22.2.
Variant type: single nucleotide variant.
Coding change: c.4362C>T on transcript NM_020821.3 (MANE Select); coding-DNA position 4362, C replaced by T.
Protein change: p.Val1454=; no amino-acid change (valine 1454 retained).
Molecular consequence: synonymous variant.
Genome position (GRCh38, 1-based): chr15:61,951,918, G>A on the plus strand (C>T on the coding strand, the complement: VPS13C is on the minus strand). VCF-style: chr15-61951918-G-A. GRCh37 (hg19) VCF-style: chr15-62244117-G-A.
Other names: p.Val1454=; c.4362C>T, p.Val1454= (NM_001018088.3); c.4233C>T, p.Val1411= (NM_017684.5, NM_018080.4).
Identifiers: ClinVar variation 1238842 (VCV001238842.15), dbSNP rs17238245, ClinGen allele CA7596122.
Genomic context (GRCh38, chr15:61,951,918, plus strand): 5'-TAGATAAGCTTTAGCAGTCATGTCATAGGTTTTAACTTTAGCTTCCATTCCAAGTTGCAG[G>A]ACATTTAGCTCATGTAAAGGCCTTCCTTTCTTTTCTGATTTTTTCATCAAAGTAACCACA-3'
Protein context (NP_065872.1, residues 1444-1464): KKGRPLHELN[Val1454=]LQLGMEAKVK

ClinVar aggregate classification (germline): Benign. Review status: criteria provided, multiple submitters, no conflicts (2 of 4 stars). 5 submissions from 5 submitters: Benign (4). 1 of the submissions does not count toward it. Last evaluated 2026-01-27.

Conditions:
VPS13C-related disorder. Also called: VPS13C-related condition.

Allele frequency attached by ClinVar (database versions not stated): gnomAD 0.01873 and 0.01942; ESP Exome Variant Server 0.01884; TOPMed 0.01959; ExAC 0.02304; 1000 Genomes Project 30x 0.02389; gnomAD exomes 0.02402 and 0.02419; 1000 Genomes Project 0.02436.
gnomAD v4.1: 37,983 of 1,613,454 alleles (2.4%); highest among the groups gnomAD compares: East Asian, 7.5%; 563 homozygotes.

Submissions (5):

Labcorp Genetics (formerly Invitae), Labcorp
Classification: Benign. Last evaluated: 2026-01-27. Review status: criteria provided, single submitter. Criteria: Invitae Variant Classification Sherloc (09022015). Collection method: clinical testing. Allele origin: germline.

Mayo Clinic Laboratories, Mayo Clinic
Classification: Benign. Last evaluated: 2022-03-24. Review status: criteria provided, single submitter. Criteria: ACMG Guidelines, 2015. Collection method: clinical testing. Allele origin: germline. Observed: 31 variant alleles.

GeneDx
Classification: Benign. Last evaluated: 2021-05-05. Review status: criteria provided, single submitter. Criteria: GeneDx Variant Classification Process June 2021. Collection method: clinical testing. Allele origin: germline. Affected: yes.

Breakthrough Genomics
Classification: Benign. Review status: criteria provided, single submitter. Criteria: ACMG Guidelines, 2015. Collection method: not provided. Allele origin: germline. Inheritance: Autosomal recessive inheritance. Affected: yes.

PreventionGenetics, part of Exact Sciences
Classification: Benign for VPS13C-related condition. Last evaluated: 2019-04-15. Review status: no assertion criteria provided. Collection method: clinical testing. Allele origin: germline. Not counted in ClinVar's aggregate classification.
Comment: This variant is classified as benign based on ACMG/AMP sequence variant interpretation guidelines (Richards et al. 2015 PMID: 25741868, with internal and published modifications).